The following is an entry in ClinVar:

NM_000179.3(MSH6):c.3842_3873dup (p.Gly1292fs)

Gene: MSH6 (mutS homolog 6; plus strand). Cytogenetic location: 2p16.3.
Variant type: Duplication.
Coding change: c.3842_3873dup on transcript NM_000179.3 (MANE Select); coding-DNA positions 3842 to 3873, 32 bases duplicated.
Protein change: p.Gly1292fs; shifts the reading frame from glycine 1292.
Molecular consequence: frameshift variant. On other transcripts: nonsense (1), inframe insertion (1), non-coding transcript variant (5), intron variant (1).
Genome position (GRCh38, 1-based): chr2:47,806,492-47,806,523, 32 bases duplicated; duplicating any 32 consecutive bases within chr2:47,806,491-47,806,523 gives the same sequence; the c. name uses the placement nearest the transcript's 3' end. GRCh37 (hg19): chr2:48,033,631-48,033,662.
Other names: c.3452_3483dup, p.Gly1162fs (NM_001281492.2); c.2936_2967dup, p.Gly990fs (NM_001281493.2, NM_001281494.2, NM_001406811.1 and 6 more transcripts); c.3938_3969dup, p.Gly1324fs (NM_001406795.1); c.3842_3873dup, p.Gly1292fs (NM_001406796.1, NM_001406808.1, NM_001406809.1); c.3545_3576dup, p.Gly1193fs (NM_001406797.1, NM_001406801.1, NM_001406805.1 and 10 more transcripts); c.3668_3699dup, p.Gly1234fs (NM_001406798.1); c.3317_3348dup, p.Gly1117fs (NM_001406799.1, NM_001406806.1, NM_001406807.1); c.3829_3860dup, p.Arg1287_Glu1288insAspTyrTyrValProLeuTer (NM_001406800.1); and 9 more; short protein forms G1162fs, G1236fs, G1324fs, G241fs, G1004fs, G1117fs, G607fs, G770fs.
Identifiers: ClinVar variation 2754813 (VCV002754813.3), dbSNP rs2530858845, ClinGen allele CA2697548077.

ClinVar aggregate classification (germline): Pathogenic (1 of 4 stars; one submission).

Conditions:
Hereditary nonpolyposis colorectal neoplasms. Identifiers: MedGen C0009405, MeSH D003123.

Submission:

Labcorp Genetics (formerly Invitae), Labcorp
Classification: Pathogenic for Hereditary nonpolyposis colorectal neoplasms. Last evaluated: 2023-08-24. Review status: criteria provided, single submitter. Criteria: Invitae Variant Classification Sherloc (09022015). Collection method: clinical testing. Allele origin: germline.
Comment: This variant has not been reported in the literature in individuals affected with MSH6-related conditions. For these reasons, this variant has been classified as Pathogenic. This variant disrupts a region of the MSH6 protein in which other variant(s) (p.Arg1331*) have been determined to be pathogenic (PMID: 16034045, 18301448, 20587412, 21056691). This suggests that this is a clinically significant region of the protein, and that variants that disrupt it are likely to be disease-causing. This variant is not present in population databases (gnomAD no frequency). This sequence change creates a premature translational stop signal (p.Gly1292Argfs*46) in the MSH6 gene. While this is not anticipated to result in nonsense mediated decay, it is expected to disrupt the last 69 amino acid(s) of the MSH6 protein.

Literature cited by the submitters: PubMed 16034045; PubMed 18301448; PubMed 20587412; PubMed 21056691.